The following is an entry in ClinVar:

NM_032153.6(ZIC4):c.274G>C (p.Ala92Pro)

Gene: ZIC4 (Zic family zinc finger 4; minus strand). Cytogenetic location: 3q24.
Variant type: single nucleotide variant.
Coding change: c.274G>C on transcript NM_032153.6 (MANE Select); coding-DNA position 274, G replaced by C.
Protein change: p.Ala92Pro; replaces alanine 92 with proline.
Molecular consequence: missense variant. On other transcripts: intron variant (1).
Genome position (GRCh38, 1-based): chr3:147,396,266, C>G on the plus strand (G>C on the coding strand, the complement: ZIC4 is on the minus strand). VCF-style: chr3-147396266-C-G. GRCh37 (hg19) VCF-style: chr3-147114053-C-G.
Other names: c.424G>C, p.Ala142Pro (NM_001168378.1); c.388G>C, p.Ala130Pro (NM_001168379.2); c.71-5020G>C (NM_001243256.2); short protein forms A130P, A142P, A92P.
Identifiers: ClinVar variation 2065748 (VCV002065748.4), dbSNP rs541468085, ClinGen allele CA84570157.

ClinVar aggregate classification (germline): Uncertain significance (1 of 4 stars; one submission).

gnomAD v4.1: 1 of 1,611,608 alleles (0.000062%); no homozygotes.

Submission:

Labcorp Genetics (formerly Invitae), Labcorp
Classification: Uncertain significance. Last evaluated: 2024-12-16. Review status: criteria provided, single submitter. Criteria: Invitae Variant Classification Sherloc (09022015). Collection method: clinical testing. Allele origin: germline.
Comment: This sequence change replaces alanine, which is neutral and non-polar, with proline, which is neutral and non-polar, at codon 142 of the ZIC4 protein (p.Ala142Pro). This variant is not present in population databases (gnomAD no frequency). This variant has not been reported in the literature in individuals affected with ZIC4-related conditions. ClinVar contains an entry for this variant (Variation ID: 2065748). An algorithm developed to predict the effect of missense changes on protein structure and function (PolyPhen-2) suggests that this variant is likely to be disruptive. In summary, the available evidence is currently insufficient to determine the role of this variant in disease. Therefore, it has been classified as a Variant of Uncertain Significance.